The following is an entry in ClinVar:

ClinVar aggregate classification (germline): Uncertain significance (1 of 4 stars; one submission).

Allele frequency attached by ClinVar (database versions not stated): gnomAD exomes below 0.00001; ExAC 0.00001; gnomAD 0.00001.
gnomAD v4.1: 2 of 1,612,426 alleles (0.00012%); highest among the groups gnomAD compares: Admixed American, 0.0033%; no homozygotes.

Submission:

Women's Health and Genetics/Laboratory Corporation of America, LabCorp
Classification: Uncertain significance. Last evaluated: 2022-07-28. Review status: criteria provided, single submitter. Criteria: LabCorp Variant Classification Summary - May 2015. Collection method: clinical testing. Allele origin: germline.
Comment: Variant summary: CFTR c.226T>C (p.Cys76Arg) results in a non-conservative amino acid change in the encoded protein sequence. Five of five in-silico tools predict a damaging effect of the variant on protein function. The variant allele was found at a frequency of 4e-06 in 251022 control chromosomes. The available data on variant occurrences in the general population are insufficient to allow any conclusion about variant significance. c.226T>C has been reported in the literature as a compound heterozygous genotype with p.F508del in at-least one newborn with elevated immunoreactive trypsin (IRT) level above the reported screening cutoff (example, Prach_2003). These report(s) do not provide unequivocal conclusions about association of the variant with Cystic Fibrosis. To our knowledge, no experimental evidence demonstrating an impact on protein function has been reported. No clinical diagnostic laboratories have submitted clinical-significance assessments for this variant to ClinVar after 2014. Based on the evidence outlined above, the variant was classified as uncertain significance.

Literature cited by the submitters: PubMed 23810505.

NM_000492.4(CFTR):c.226T>C (p.Cys76Arg)

Gene: CFTR (CF transmembrane conductance regulator; plus strand). Cytogenetic location: 7q31.2.
Variant type: single nucleotide variant.
Coding change: c.226T>C on transcript NM_000492.4 (MANE Select); coding-DNA position 226, T replaced by C.
Protein change: p.Cys76Arg; replaces cysteine 76 with arginine.
Molecular consequence: missense variant.
Genome position (GRCh38, 1-based): chr7:117,509,095, T>C. VCF-style: chr7-117509095-T-C. GRCh37 (hg19) VCF-style: chr7-117149149-T-C.
Other names: short protein forms C76R.
Identifiers: ClinVar variation 1704502 (VCV001704502.1), dbSNP rs757959325, ClinGen allele CA4450669.